The following is an entry in ClinVar:

NM_000037.4(ANK1):c.3955C>T (p.Arg1319Trp)

Gene: ANK1 (ankyrin 1; minus strand). Cytogenetic location: 8p11.21.
Variant type: single nucleotide variant.
Coding change: c.3955C>T on transcript NM_000037.4 (MANE Select); coding-DNA position 3955, C replaced by T.
Protein change: p.Arg1319Trp; replaces arginine 1319 with tryptophan.
Molecular consequence: missense variant.
Genome position (GRCh38, 1-based): chr8:41,690,503, G>A on the plus strand (C>T on the coding strand, the complement: ANK1 is on the minus strand). VCF-style: chr8-41690503-G-A. GRCh37 (hg19) VCF-style: chr8-41548021-G-A.
Other names: p.Arg1319Trp; c.4078C>T, p.Arg1360Trp (NM_001142446.2); c.3955C>T, p.Arg1319Trp (NM_020475.3, NM_020476.3, NM_020477.3); c.3955C>T (NM_020476.2); short protein forms R1360W, R1319W.
Identifiers: ClinVar variation 910770 (VCV000910770.20), dbSNP rs113948846, ClinGen allele CA4727735.

ClinVar aggregate classification (germline): Uncertain significance. Review status: criteria provided, multiple submitters, no conflicts (2 of 4 stars). 8 submissions from 7 submitters: Uncertain significance (8). Last evaluated 2026-02-10.

Conditions:
ANK1-related disorder. Also called: ANK1-related condition.
Hereditary spherocytosis type 1. Also called: Spherocytosis type 1; ANK1-Related Spherocytosis. Identifiers: Orphanet 822, MedGen C2674218, MONDO:0008447, OMIM 182900.
Spherocytosis. Identifiers: MedGen C0553720, HP:0004444.
Inborn genetic diseases. Identifiers: MedGen C0950123, MeSH D030342.

Allele frequency attached by ClinVar (database versions not stated): ESP Exome Variant Server 0.00008; 1000 Genomes Project 30x 0.00016; ExAC 0.00019; gnomAD 0.00019; 1000 Genomes Project 0.00020; TOPMed 0.00024; gnomAD exomes 0.00027.
gnomAD v4.1: 542 of 1,614,170 alleles (0.034%); highest among the groups gnomAD compares: Admixed American, 0.06%; no homozygotes.

Submissions (8):

PreventionGenetics, part of Exact Sciences
Classification: Uncertain significance for ANK1-related condition. Last evaluated: 2026-02-10. Review status: criteria provided, single submitter. Criteria: ACMG Guidelines, 2015. Collection method: clinical testing. Allele origin: germline.
Comment: The ANK1 c.3955C>T variant is predicted to result in the amino acid substitution p.Arg1319Trp. This variant was reported in the homozygous state in an individual with hereditary spherocytosis (Alshomar et al. 2024. PubMed ID: 38319988). This variant is reported in 0.079% of alleles in individuals of Latino descent in gnomAD, which may be too frequent to be a primary cause of disease. At this time, the clinical significance of this variant is uncertain due to the absence of conclusive functional and genetic evidence.

Blueprint Genetics
Classification: Uncertain significance. Last evaluated: 2024-10-31. Review status: criteria provided, single submitter. Criteria: ACMG Guidelines, 2015. Collection method: clinical testing. Allele origin: germline.

Mayo Clinic Laboratories, Mayo Clinic
Classification: Uncertain significance. Last evaluated: 2024-10-08. Review status: criteria provided, single submitter. Criteria: ACMG Guidelines, 2015. Collection method: clinical testing. Allele origin: germline. Observed: 1 variant allele.
Comment: BP4, PM2_supporting

Labcorp Genetics (formerly Invitae), Labcorp
Classification: Uncertain significance. Last evaluated: 2024-02-26. Review status: criteria provided, single submitter. Criteria: Invitae Variant Classification Sherloc (09022015). Collection method: clinical testing. Allele origin: germline.
Comment: This sequence change replaces arginine, which is basic and polar, with tryptophan, which is neutral and slightly polar, at codon 1319 of the ANK1 protein (p.Arg1319Trp). This variant is present in population databases (rs113948846, gnomAD 0.08%), and has an allele count higher than expected for a pathogenic variant. This variant has not been reported in the literature in individuals affected with ANK1-related conditions. ClinVar contains an entry for this variant (Variation ID: 910770). Advanced modeling of protein sequence and biophysical properties (such as structural, functional, and spatial information, amino acid conservation, physicochemical variation, residue mobility, and thermodynamic stability) performed at Invitae indicates that this missense variant is expected to disrupt ANK1 protein function with a positive predictive value of 80%. In summary, the available evidence is currently insufficient to determine the role of this variant in disease. Therefore, it has been classified as a Variant of Uncertain Significance.

ARUP Laboratories, Molecular Genetics and Genomics, ARUP Laboratories
Classification: Uncertain significance for Hereditary spherocytosis type 1. Last evaluated: 2023-03-24. Review status: criteria provided, single submitter. Criteria: ARUP Molecular Germline Variant Investigation Process 2024. Collection method: clinical testing. Allele origin: germline.

Ambry Genetics
Classification: Uncertain significance for Inborn genetic diseases. Last evaluated: 2021-10-12. Review status: criteria provided, single submitter. Criteria: Ambry Variant Classification Scheme 2023. Collection method: clinical testing. Allele origin: germline.

Illumina Laboratory Services, Illumina
Classification: Uncertain significance for Spherocytosis. Last evaluated: 2018-01-13. Review status: criteria provided, single submitter. Criteria: ICSL Variant Classification Criteria 13 December 2019. Collection method: clinical testing. Allele origin: germline.

Illumina Laboratory Services, Illumina
Classification: Uncertain significance for Hereditary spherocytosis type 1. Last evaluated: 2018-01-13. Review status: criteria provided, single submitter. Criteria: ICSL Variant Classification Criteria 13 December 2019. Collection method: clinical testing. Allele origin: germline.